The following is an entry in ClinVar:

ClinVar aggregate classification (germline): Uncertain significance (1 of 4 stars; one submission).

Submission:

Labcorp Genetics (formerly Invitae), Labcorp
Classification: Uncertain significance. Last evaluated: 2022-09-01. Review status: criteria provided, single submitter. Criteria: Invitae Variant Classification Sherloc (09022015). Collection method: clinical testing. Allele origin: germline.
Comment: In summary, the available evidence is currently insufficient to determine the role of this variant in disease. Therefore, it has been classified as a Variant of Uncertain Significance. Experimental studies and prediction algorithms are not available or were not evaluated, and the functional significance of this variant is currently unknown. This variant has not been reported in the literature in individuals affected with PCARE-related conditions. This variant is present in population databases (no rsID available, gnomAD 0.0009%). This sequence change results in a frameshift in the PCARE gene (p.Gln1283Serfs*31). While this is not anticipated to result in nonsense mediated decay, it is expected to disrupt the last 6 amino acid(s) of the PCARE protein and extend the protein by 24 additional amino acid residues.

NM_001029883.3(PCARE):c.3847del (p.Gln1283fs)

Gene: PCARE (photoreceptor cilium actin regulator; minus strand). Cytogenetic location: 2p23.2.
Variant type: Deletion.
Coding change: c.3847del on transcript NM_001029883.3 (MANE Select); coding-DNA position 3847, one base deleted (C; older notation c.3847delC).
Protein change: p.Gln1283fs; shifts the reading frame from glutamine 1283.
Molecular consequence: frameshift variant.
Genome position (GRCh38, 1-based): chr2:29,064,889, G deleted on the plus strand (C on the coding strand, the reverse complement: PCARE is on the minus strand); the first of 4 consecutive G bases (chr2:29,064,889-29,064,892); deleting any one gives the same sequence. VCF-style (leftmost placement, unchanged base first): chr2-29064888-TG-T. GRCh37 (hg19) VCF-style: chr2-29287754-TG-T.
Other names: short protein forms Q1283fs.
Identifiers: ClinVar variation 1935193 (VCV001935193.3), dbSNP rs1558485026, ClinGen allele CA531766772.
Genomic context (GRCh38, chr2:29,064,888, plus strand): 5'-TTCTGGGGTGACTGCGTGAGTGTGGCCCCCTCGTCAGCCTGTCAGGACACCTCCTCTTGC[TG>T]GGGCTGCGCCTCTGGCTGGGATTTGTCCTGGATGTGGCCGGTCCGAGGCTCCGGTTGCAG-3'